The following is an entry in ClinVar:

NM_033004.4(NLRP1):c.1887C>A (p.Phe629Leu)

Gene: NLRP1 (NLR family pyrin domain containing 1; minus strand). Cytogenetic location: 17p13.2.
Variant type: single nucleotide variant.
Coding change: c.1887C>A on transcript NM_033004.4 (MANE Select); coding-DNA position 1887, C replaced by A.
Protein change: p.Phe629Leu; replaces phenylalanine 629 with leucine.
Molecular consequence: missense variant.
Genome position (GRCh38, 1-based): chr17:5,558,809, G>T on the plus strand (C>A on the coding strand, the complement: NLRP1 is on the minus strand). VCF-style: chr17-5558809-G-T. GRCh37 (hg19) VCF-style: chr17-5462129-G-T.
Other names: c.1887C>A, p.Phe629Leu (NM_001033053.3, NM_014922.5, NM_033006.4 and 1 more transcripts); short protein forms F629L.
Identifiers: ClinVar variation 724919 (VCV000724919.23), dbSNP rs149035689, ClinGen allele CA8327311.

ClinVar aggregate classification (germline): Benign/Likely benign. Review status: criteria provided, multiple submitters, no conflicts (2 of 4 stars). 6 submissions from 6 submitters: Benign (4); Likely benign (2). Last evaluated 2025-12-28.

Allele frequency attached by ClinVar (database versions not stated): gnomAD exomes 0.00089 and 0.00173; ExAC 0.00191; 1000 Genomes Project 30x 0.00375; 1000 Genomes Project 0.00439; gnomAD 0.00017 and 0.00063; TOPMed 0.00024; ESP Exome Variant Server 0.00031.
gnomAD v4.1: 1,407 of 1,614,190 alleles (0.087%); highest among the groups gnomAD compares: South Asian, 1.2%; 14 homozygotes.

Submissions (6):

Labcorp Genetics (formerly Invitae), Labcorp
Classification: Benign. Last evaluated: 2025-12-28. Review status: criteria provided, single submitter. Criteria: Invitae Variant Classification Sherloc (09022015). Collection method: clinical testing. Allele origin: germline.

CeGaT Center for Human Genetics Tuebingen
Classification: Benign. Last evaluated: 2025-10-01. Review status: criteria provided, single submitter. Criteria: CeGaT Center For Human Genetics Tuebingen Variant Classification Criteria Version 2. Collection method: clinical testing. Allele origin: germline. Affected: yes. Observed: 1 variant allele.
Comment: NLRP1: BS1, BS2

Genomic Medicine Center of Excellence, King Faisal Specialist Hospital and Research Centre
Classification: Likely benign. Last evaluated: 2025-08-18. Review status: criteria provided, single submitter. Criteria: ACMG Guidelines, 2015. Collection method: clinical testing. Allele origin: germline.

Blueprint Genetics
Classification: Likely benign. Last evaluated: 2024-11-25. Review status: criteria provided, single submitter. Criteria: ACMG Guidelines, 2015. Collection method: clinical testing. Allele origin: germline.

Dubai Health Genomic Medicine Center, Dubai Health
Classification: Benign. Last evaluated: 2019-12-23. Review status: criteria provided, single submitter. Criteria: ACMG Guidelines, 2015. Collection method: clinical testing. Allele origin: germline. Affected: yes.

Breakthrough Genomics
Classification: Benign. Review status: criteria provided, single submitter. Criteria: ACMG Guidelines, 2015. Collection method: not provided. Allele origin: germline. Inheritance: Autosomal recessive inheritance. Affected: yes.